The following is an entry in ClinVar:

ClinVar aggregate classification (germline): Uncertain significance (1 of 4 stars; one submission).

Conditions:
Cardiomyopathy (CMYO). Also called: Cardiomyopathies. Identifiers: Orphanet 167848, MedGen C0878544, MONDO:0004994, HP:0001638. Inheritance: Various modes of inheritance.

Submission:

Color Diagnostics, LLC DBA Color Health
Classification: Uncertain significance for Cardiomyopathy. Last evaluated: 2024-10-28. Review status: criteria provided, single submitter. Criteria: ACMG Guidelines, 2015. Collection method: clinical testing. Allele origin: germline.
Comment: This missense variant replaces aspartic acid with valine at codon 1336 of the RYR2 protein. Computational prediction is inconclusive regarding the impact of this variant on protein structure and function (internally defined REVEL score threshold 0.5 < inconclusive < 0.7, PMID: 27666373). To our knowledge, functional studies have not been reported for this variant. This variant has not been reported in individuals affected with RYR2-related disorders in the literature. This variant has not been identified in the general population by the Genome Aggregation Database (gnomAD). The available evidence is insufficient to determine the role of this variant in disease conclusively. Therefore, this variant is classified as a Variant of Uncertain Significance.

NM_001035.3(RYR2):c.4007A>T (p.Asp1336Val)

Genes: RYR2 (ryanodine receptor 2; plus strand), LOC126806067 (BRD4-independent group 4 enhancer GRCh37_chr1:237753258-237754457; plus strand). Cytogenetic location: 1q43.
Variant type: single nucleotide variant.
Coding change: c.4007A>T on transcript NM_001035.3 (MANE Select); coding-DNA position 4007, A replaced by T.
Protein change: p.Asp1336Val; replaces aspartic acid 1336 with valine.
Molecular consequence: missense variant.
Genome position (GRCh38, 1-based): chr1:237,590,839, A>T. VCF-style: chr1-237590839-A-T. GRCh37 (hg19) VCF-style: chr1-237754139-A-T.
Other names: short protein forms D1336V.
Identifiers: ClinVar variation 3894111 (VCV003894111.1).